The following is an entry in ClinVar:

NM_001098511.3(KIF2A):c.-37C>A

Genes: KIF2A (kinesin family member 2A; plus strand), LOC129993961 (ATAC-STARR-seq lymphoblastoid silent region 16051; plus strand). Cytogenetic location: 5q12.1.
Variant type: single nucleotide variant.
Coding change: c.-37C>A on transcript NM_001098511.3 (MANE Select); 37 bases upstream of the start codon, C replaced by A.
Molecular consequence: 5 prime UTR variant.
Genome position (GRCh38, 1-based): chr5:62,306,436, C>A. VCF-style: chr5-62306436-C-A. GRCh37 (hg19) VCF-style: chr5-61602263-C-A.
Other names: c.-321C>A (NM_001243952.2); c.-37C>A (NM_001243953.2, NM_004520.5).
Identifiers: ClinVar variation 512622 (VCV000512622.1), dbSNP rs374889152, ClinGen allele CA3278664.

ClinVar aggregate classification (germline): Likely benign (1 of 4 stars; one submission).

Allele frequency attached by ClinVar (database versions not stated): ESP Exome Variant Server 0.00011; 1000 Genomes Project 30x 0.00016; gnomAD 0.00019 and 0.00021; ExAC 0.00025; TOPMed 0.00026; 1000 Genomes Project 0.00040.
gnomAD v4.1: 333 of 1,523,636 alleles (0.022%); highest among the groups gnomAD compares: Admixed American, 0.042%; 1 homozygote.

Submission:

GeneDx
Classification: Likely benign. Last evaluated: 2017-10-05. Review status: criteria provided, single submitter. Criteria: GeneDx Variant Classification (06012015). Collection method: clinical testing. Allele origin: germline. Affected: yes.
Comment: This variant is considered likely benign or benign based on one or more of the following criteria: it is a conservative change, it occurs at a poorly conserved position in the protein, it is predicted to be benign by multiple in silico algorithms, and/or has population frequency not consistent with disease.